The following is an entry in ClinVar:

ClinVar aggregate classification (germline): Uncertain significance (1 of 4 stars; one submission).

Conditions:
Cardiovascular phenotype. Identifiers: MedGen CN230736.

Submission:

Ambry Genetics
Classification: Uncertain significance for Cardiovascular phenotype. Last evaluated: 2025-12-16. Review status: criteria provided, single submitter. Criteria: Ambry Variant Classification Scheme 2023. Collection method: clinical testing. Allele origin: germline.
Comment: The p.L999V variant (also known as c.2995C>G), located in coding exon 20 of the FLNC gene, results from a C to G substitution at nucleotide position 2995. The leucine at codon 999 is replaced by valine, an amino acid with highly similar properties. This amino acid position is well conserved in available vertebrate species; however, valine is the reference amino acid in other vertebrate species. In addition, this alteration is predicted to be tolerated by in silico analysis. Since supporting evidence is limited at this time, the clinical significance of this alteration remains unclear.

NM_001458.5(FLNC):c.2995C>G (p.Leu999Val)

Gene: FLNC (filamin C; plus strand). Cytogenetic location: 7q32.1.
Variant type: single nucleotide variant.
Coding change: c.2995C>G on transcript NM_001458.5 (MANE Select); coding-DNA position 2995, C replaced by G.
Protein change: p.Leu999Val; replaces leucine 999 with valine.
Molecular consequence: missense variant.
Genome position (GRCh38, 1-based): chr7:128,844,069, C>G. VCF-style: chr7-128844069-C-G. GRCh37 (hg19) VCF-style: chr7-128484123-C-G.
Other names: c.2995C>G, p.Leu999Val (NM_001127487.2); short protein forms L999V.
Identifiers: ClinVar variation 1798563 (VCV001798563.3), dbSNP rs1808452813, ClinGen allele CA369193877.